The following is an entry in ClinVar:

NM_032485.6(MCM8):c.832C>T (p.Arg278Cys)

Gene: MCM8 (minichromosome maintenance 8 homologous recombination repair factor; plus strand). Cytogenetic location: 20p12.3.
Variant type: single nucleotide variant.
Coding change: c.832C>T on transcript NM_032485.6 (MANE Select); coding-DNA position 832, C replaced by T.
Protein change: p.Arg278Cys; replaces arginine 278 with cysteine.
Molecular consequence: missense variant.
Genome position (GRCh38, 1-based): chr20:5,963,316, C>T. VCF-style: chr20-5963316-C-T. GRCh37 (hg19) VCF-style: chr20-5943962-C-T.
Other names: c.832C>T, p.Arg278Cys (NM_001281520.2, NM_001281521.2, NM_001281522.2 and 1 more transcripts); short protein forms R278C.
Identifiers: ClinVar variation 3039694 (VCV003039694.2), dbSNP rs146490315, ClinGen allele CA9756602.
Genomic context (GRCh38, chr20:5,963,316, plus strand): 5'-TACTTTTGTTTCATTCAGTGTCCTGTGCCTGTGTGTCGAGGCAGGTCATTTACTGCTCTC[C>T]GCAGCTCTCCTCTCACAGTTACGATGGACTGGCAGTCAATCAAGTAAGCGATCAGACTGT-3'
Protein context (NP_115874.3, residues 268-288): VCRGRSFTAL[Arg278Cys]SSPLTVTMDW

ClinVar aggregate classification (germline): Likely benign (0 of 4 stars; one submission).

Conditions:
MCM8-related disorder. Also called: MCM8-related condition.

Allele frequency attached by ClinVar (database versions not stated): gnomAD 0.00022; gnomAD exomes 0.00022; TOPMed 0.00022; ESP Exome Variant Server 0.00031; ExAC 0.00035.
gnomAD v4.1: 385 of 1,613,844 alleles (0.024%); highest among the groups gnomAD compares: Middle Eastern, 0.099%; no homozygotes.

Submission:

PreventionGenetics, part of Exact Sciences
Classification: Likely benign for MCM8-related condition. Last evaluated: 2019-05-24. Review status: no assertion criteria provided. Collection method: clinical testing. Allele origin: germline.
Comment: This variant is classified as likely benign based on ACMG/AMP sequence variant interpretation guidelines (Richards et al. 2015 PMID: 25741868, with internal and published modifications).